The following is an entry in ClinVar:

ClinVar aggregate classification (germline): Uncertain significance (1 of 4 stars; one submission).

Allele frequency attached by ClinVar (database versions not stated): gnomAD exomes below 0.00001; TOPMed below 0.00001.

Submission:

Ambry Genetics
Classification: Uncertain significance. Last evaluated: 2023-11-15. Review status: criteria provided, single submitter. Criteria: Ambry Variant Classification Scheme 2023. Collection method: clinical testing. Allele origin: germline.
Comment: The p.C48Y variant (also known as c.143G>A), located in coding exon 1 of the POLQ gene, results from a G to A substitution at nucleotide position 143. The cysteine at codon 48 is replaced by tyrosine, an amino acid with highly dissimilar properties. This amino acid position is conserved. In addition, this alteration is predicted to be tolerated by in silico analysis. Since supporting evidence is limited at this time, the clinical significance of this alteration remains unclear.

NM_199420.4(POLQ):c.143G>A (p.Cys48Tyr)

Genes: POLQ (DNA polymerase theta; minus strand), LOC112872292 (Sharpr-MPRA regulatory region 30; plus strand). Cytogenetic location: 3q13.33.
Variant type: single nucleotide variant.
Coding change: c.143G>A on transcript NM_199420.4 (MANE Select); coding-DNA position 143, G replaced by A.
Protein change: p.Cys48Tyr; replaces cysteine 48 with tyrosine.
Molecular consequence: missense variant.
Genome position (GRCh38, 1-based): chr3:121,545,735, C>T on the plus strand (G>A on the coding strand, the complement: POLQ is on the minus strand). VCF-style: chr3-121545735-C-T. GRCh37 (hg19) VCF-style: chr3-121264582-C-T.
Other names: short protein forms C48Y.
Identifiers: ClinVar variation 3229836 (VCV003229836.1), dbSNP rs1427411844, ClinGen allele CA354096896.